The following is an entry in ClinVar:

ClinVar aggregate classification (germline): Uncertain significance. Review status: criteria provided, multiple submitters, no conflicts (2 of 4 stars). 10 submissions from 10 submitters: Uncertain significance (9). 1 of the submissions does not count toward it. Last evaluated 2026-08-25.

Conditions:
BBS12-related disorder. Also called: BBS12-related condition.
Bardet-Biedl syndrome (BBS). Identifiers: Orphanet 110, MedGen C0752166, MONDO:0015229.
Bardet-Biedl syndrome 12 (BBS12). Identifiers: Orphanet 110, MedGen C1859570, MONDO:0014440, OMIM 615989.

Allele frequency attached by ClinVar (database versions not stated): ExAC 0.00004; gnomAD 0.00005; TOPMed 0.00005; gnomAD exomes 0.00007 and 0.00008.
gnomAD v4.1: 119 of 1,614,144 alleles (0.0074%); highest among the groups gnomAD compares: Middle Eastern, 0.033%; no homozygotes.

Submissions (10):

PreventionGenetics, part of Exact Sciences
Classification: Uncertain significance for BBS12-related condition. Last evaluated: 2026-08-25. Review status: criteria provided, single submitter. Criteria: ACMG Guidelines, 2015. Collection method: clinical testing. Allele origin: germline.
Comment: The BBS12 c.1198G>A variant is predicted to result in the amino acid substitution p.Val400Met. This variant was reported in the homozygous state in two siblings with Bardet-Biedl syndrome (Billingsley et al 2010. PubMed ID: 20472660). However, an additional homozygous variant in BBS12 (p.Arg674Cys) as well as a single missense variant in BBS1 (p.Phe534Ala) were also found in these siblings. This variant is reported in 0.099% of alleles in individuals of Ashkenazi Jewish descent in gnomAD. At this time, the clinical significance of this variant is uncertain due to the absence of conclusive functional and genetic evidence.

Blueprint Genetics
Classification: Uncertain significance. Last evaluated: 2024-04-15. Review status: criteria provided, single submitter. Criteria: ACMG Guidelines, 2015. Collection method: clinical testing. Allele origin: germline.

Labcorp Genetics (formerly Invitae), Labcorp
Classification: Uncertain significance for Bardet-Biedl syndrome. Last evaluated: 2022-07-31. Review status: criteria provided, single submitter. Criteria: Invitae Variant Classification Sherloc (09022015). Collection method: clinical testing. Allele origin: germline.
Comment: This sequence change replaces valine, which is neutral and non-polar, with methionine, which is neutral and non-polar, at codon 400 of the BBS12 protein (p.Val400Met). This variant is present in population databases (rs771136797, gnomAD 0.1%). This missense change has been observed in individual(s) with Bardet-Biedl syndrome (PMID: 20472660). ClinVar contains an entry for this variant (Variation ID: 281597). Algorithms developed to predict the effect of missense changes on protein structure and function are either unavailable or do not agree on the potential impact of this missense change (SIFT: "Tolerated"; PolyPhen-2: "Possibly Damaging"; Align-GVGD: "Class C0"). In summary, the available evidence is currently insufficient to determine the role of this variant in disease. Therefore, it has been classified as a Variant of Uncertain Significance.

Women's Health and Genetics/Laboratory Corporation of America, LabCorp
Classification: Uncertain significance. Last evaluated: 2022-02-18. Review status: criteria provided, single submitter. Criteria: LabCorp Variant Classification Summary - May 2015. Collection method: clinical testing. Allele origin: germline.
Comment: Variant summary: BBS12 c.1198G>A (p.Val400Met) results in a conservative amino acid change in the encoded protein sequence. Five of five in-silico tools predict a benign effect of the variant on protein function. The variant allele was found at a frequency of 7.6e-05 in 251452 control chromosomes (gnomAD). This frequency is not higher than expected for a pathogenic variant in BBS12 causing Bardet-Biedl Syndrome (7.6e-05 vs 0.00076), allowing no conclusion about variant significance. c.1198G>A has been reported in the literature in an individual affected with Bardet-Biedl Syndrome who carried the variant in the homozygous state in cis with a different potentially pathogenic variant (Billingsley_2010). This report does not provide unequivocal conclusions about association of the variant with Bardet-Biedl Syndrome. To our knowledge, no experimental evidence demonstrating an impact on protein function has been reported. Four clinical diagnostic laboratories have submitted clinical-significance assessments for this variant to ClinVar after 2014 and all laboratories classified the variant as uncertain significance. Based on the evidence outlined above, the variant was classified as VUS.

Fulgent Genetics
Classification: Uncertain significance for Bardet-Biedl syndrome 12. Last evaluated: 2022-01-08. Review status: criteria provided, single submitter. Criteria: ACMG Guidelines, 2015. Collection method: clinical testing. Allele origin: unknown.

Pars Genome Lab
Classification: Uncertain significance for Bardet-Biedl syndrome 12. Last evaluated: 2021-05-18. Review status: criteria provided, single submitter. Criteria: ACMG Guidelines, 2015. Collection method: clinical testing. Allele origin: germline. Affected: no.

New York Genome Center
Classification: Uncertain significance for Bardet-Biedl syndrome 12. Last evaluated: 2021-02-28. Review status: criteria provided, single submitter. Criteria: NYGC Assertion Criteria 2020. Collection method: clinical testing. Allele origin: germline. Observed: 1 heterozygote.

Illumina Laboratory Services, Illumina
Classification: Uncertain significance for Bardet-Biedl syndrome 12. Last evaluated: 2017-04-27. Review status: criteria provided, single submitter. Criteria: ICSL Variant Classification Criteria 13 December 2019. Collection method: clinical testing. Allele origin: germline.
Comment: This variant was observed as part of a predisposition screen in an ostensibly healthy population. A literature search was performed for the gene, cDNA change, and amino acid change (where applicable). Publications were found based on this search. However, the evidence from the literature, in combination with allele frequency data from public databases where available, was not sufficient to rule this variant in or out of causing disease. Therefore, this variant is classified as a variant of unknown significance.

Eurofins Ntd Llc (ga)
Classification: Uncertain significance. Last evaluated: 2015-06-18. Review status: criteria provided, single submitter. Criteria: EGL Classification Definitions 2015. Collection method: clinical testing. Allele origin: germline. Observed: 2 variant alleles, 2 homozygotes.

Counsyl
Classification: Uncertain significance for Bardet-Biedl syndrome 12. Last evaluated: 2017-01-19. Review status: no assertion criteria provided. Collection method: clinical testing. Allele origin: unknown. Not counted in ClinVar's aggregate classification.

Literature cited by the submitters: PubMed 20472660 (cited by 4 submitters); PubMed 21344540 (cited by Women's Health and Genetics/Laboratory Corporation of America, LabCorp).

NM_152618.3(BBS12):c.1198G>A (p.Val400Met)

Gene: BBS12 (Bardet-Biedl syndrome 12; plus strand). Cytogenetic location: 4q27.
Variant type: single nucleotide variant.
Coding change: c.1198G>A on transcript NM_152618.3 (MANE Select); coding-DNA position 1198, G replaced by A.
Protein change: p.Val400Met; replaces valine 400 with methionine.
Molecular consequence: missense variant.
Genome position (GRCh38, 1-based): chr4:122,743,090, G>A. VCF-style: chr4-122743090-G-A. GRCh37 (hg19) VCF-style: chr4-123664245-G-A.
Other names: c.1198G>A, p.Val400Met (NM_001178007.2); short protein forms V400M.
Identifiers: ClinVar variation 281597 (VCV000281597.19), dbSNP rs771136797, ClinGen allele CA3069397.